The following is an entry in ClinVar:

ClinVar aggregate classification (germline): Uncertain significance. Review status: criteria provided, multiple submitters, no conflicts (2 of 4 stars). 2 submissions from 2 submitters: Uncertain significance (2). Last evaluated 2024-05-21.

Conditions:
Holocarboxylase synthetase deficiency. Also called: MULTIPLE CARBOXYLASE DEFICIENCY, EARLY ONSET. Identifiers: Orphanet 79242, MedGen C0268581, MONDO:0009666, OMIM 253270.

Allele frequency attached by ClinVar (database versions not stated): TOPMed below 0.00001; gnomAD exomes 0.00002; ExAC 0.00004.
gnomAD v4.1: 19 of 1,614,116 alleles (0.0012%); highest among the groups gnomAD compares: Admixed American, 0.0067%; no homozygotes.

Submissions (2):

Labcorp Genetics (formerly Invitae), Labcorp
Classification: Uncertain significance for Holocarboxylase synthetase deficiency. Last evaluated: 2024-05-21. Review status: criteria provided, single submitter. Criteria: Invitae Variant Classification Sherloc (09022015). Collection method: clinical testing. Allele origin: germline.
Comment: This sequence change replaces tyrosine, which is neutral and polar, with cysteine, which is neutral and slightly polar, at codon 167 of the HLCS protein (p.Tyr167Cys). This variant is present in population databases (rs778638155, gnomAD 0.009%). This variant has not been reported in the literature in individuals affected with HLCS-related conditions. ClinVar contains an entry for this variant (Variation ID: 899243). Advanced modeling of protein sequence and biophysical properties (such as structural, functional, and spatial information, amino acid conservation, physicochemical variation, residue mobility, and thermodynamic stability) performed at Invitae indicates that this missense variant is expected to disrupt HLCS protein function with a positive predictive value of 80%. In summary, the available evidence is currently insufficient to determine the role of this variant in disease. Therefore, it has been classified as a Variant of Uncertain Significance.

Illumina Laboratory Services, Illumina
Classification: Uncertain significance for Holocarboxylase synthetase deficiency. Last evaluated: 2017-04-27. Review status: criteria provided, single submitter. Criteria: ICSL Variant Classification Criteria 13 December 2019. Collection method: clinical testing. Allele origin: germline.

NM_001352514.2(HLCS):c.941A>G (p.Tyr314Cys)

Gene: HLCS (holocarboxylase synthetase; minus strand). Cytogenetic location: 21q22.13.
Variant type: single nucleotide variant.
Coding change: c.941A>G on transcript NM_001352514.2 (MANE Select); coding-DNA position 941, A replaced by G.
Protein change: p.Tyr314Cys; replaces tyrosine 314 with cysteine.
Molecular consequence: missense variant. On other transcripts: non-coding transcript variant (2).
Genome position (GRCh38, 1-based): chr21:36,936,945, T>C on the plus strand (A>G on the coding strand, the complement: HLCS is on the minus strand). VCF-style: chr21-36936945-T-C. GRCh37 (hg19) VCF-style: chr21-38309245-T-C.
Other names: c.500A>G, p.Tyr167Cys (NM_000411.8, NM_001242784.3, NM_001242785.2 and 4 more transcripts); short protein forms Y167C, Y314C.
Identifiers: ClinVar variation 899243 (VCV000899243.6), dbSNP rs778638155, ClinGen allele CA10020672.